The following is an entry in ClinVar:

NM_000535.7(PMS2):c.1758C>A (p.Ser586=)

Gene: PMS2 (PMS1 homolog 2, mismatch repair system component; minus strand). Cytogenetic location: 7p22.1.
Variant type: single nucleotide variant.
Coding change: c.1758C>A on transcript NM_000535.7 (MANE Select); coding-DNA position 1758, C replaced by A.
Protein change: p.Ser586=; no amino-acid change (serine 586 retained).
Molecular consequence: synonymous variant. On other transcripts: non-coding transcript variant (1).
Genome position (GRCh38, 1-based): chr7:5,987,007, G>T on the plus strand (C>A on the coding strand, the complement: PMS2 is on the minus strand). VCF-style: chr7-5987007-G-T. GRCh37 (hg19) VCF-style: chr7-6026638-G-T.
Other names: c.1353C>A, p.Ser451= (NM_001322003.2, NM_001322004.2, NM_001322005.2 and 1 more transcripts); c.1602C>A, p.Ser534= (NM_001322006.2); c.1440C>A, p.Ser480= (NM_001322007.2, NM_001322008.2); c.1197C>A, p.Ser399= (NM_001322010.2); c.825C>A, p.Ser275= (NM_001322011.2, NM_001322012.2); c.1185C>A, p.Ser395= (NM_001322013.2); c.1758C>A, p.Ser586= (NM_001322014.2); c.1449C>A, p.Ser483= (NM_001322015.2).
Identifiers: ClinVar variation 820024 (VCV000820024.7), dbSNP rs1380096472, ClinGen allele CA453746019.

ClinVar aggregate classification (germline): Benign/Likely benign. Review status: criteria provided, multiple submitters, no conflicts (2 of 4 stars). 3 submissions from 3 submitters: Benign (1); Likely benign (2). Last evaluated 2025-03-22.

Conditions:
Lynch syndrome 4 (LYNCH4). Also called: Colorectal cancer, hereditary nonpolyposis, type 4; Hereditary non-polyposis colorectal cancer, type 4. Identifiers: Orphanet 144, MedGen C1838333, MONDO:0013699, OMIM 614337. Disease mechanism: loss of function.
Hereditary nonpolyposis colorectal neoplasms. Identifiers: MedGen C0009405, MeSH D003123.
Hereditary cancer-predisposing syndrome. Also called: Neoplastic Syndromes, Hereditary; Tumor predisposition; Hereditary Cancer Syndrome; Hereditary neoplastic syndrome. Identifiers: Orphanet 140162, MedGen C0027672, MeSH D009386, MONDO:0015356.

Allele frequency attached by ClinVar (database versions not stated): TOPMed 0.00001.

Submissions (3):

Labcorp Genetics (formerly Invitae), Labcorp
Classification: Likely benign for Hereditary nonpolyposis colorectal neoplasms. Last evaluated: 2025-03-22. Review status: criteria provided, single submitter. Criteria: Invitae Variant Classification Sherloc (09022015). Collection method: clinical testing. Allele origin: germline.

Myriad Genetics, Inc.
Classification: Benign for Lynch syndrome 4. Last evaluated: 2025-01-31. Review status: criteria provided, single submitter. Criteria: Myriad Autosomal Dominant, Autosomal Recessive and X-Linked Classification Criteria (2023). Collection method: clinical testing. Allele origin: unknown.
Comment: This variant is considered benign. This variant is a silent/synonymous amino acid change and it is not expected to impact splicing.

Ambry Genetics
Classification: Likely benign for Hereditary cancer-predisposing syndrome. Last evaluated: 2018-02-07. Review status: criteria provided, single submitter. Criteria: Ambry Variant Classification Scheme 2023. Collection method: clinical testing. Allele origin: germline.